The following is an entry in ClinVar:

NM_014991.6(WDFY3):c.3744C>T (p.Tyr1248=)

Gene: WDFY3 (WD repeat and FYVE domain containing 3; minus strand). Cytogenetic location: 4q21.23.
Variant type: single nucleotide variant.
Coding change: c.3744C>T on transcript NM_014991.6 (MANE Select); coding-DNA position 3744, C replaced by T.
Protein change: p.Tyr1248=; no amino-acid change (tyrosine 1248 retained).
Molecular consequence: synonymous variant.
Genome position (GRCh38, 1-based): chr4:84,787,639, G>A on the plus strand (C>T on the coding strand, the complement: WDFY3 is on the minus strand). VCF-style: chr4-84787639-G-A. GRCh37 (hg19) VCF-style: chr4-85708792-G-A.
Identifiers: ClinVar variation 1289901 (VCV001289901.5), dbSNP rs34548715, ClinGen allele CA2993422.

ClinVar aggregate classification (germline): Benign. Review status: criteria provided, multiple submitters, no conflicts (2 of 4 stars). 3 submissions from 3 submitters: Benign (2). 1 of the submissions does not count toward it. Last evaluated 2021-05-05.

Conditions:
WDFY3-related disorder.

Allele frequency attached by ClinVar (database versions not stated): gnomAD exomes 0.03283 and 0.03526; 1000 Genomes Project 0.03415; TOPMed 0.03426; ExAC 0.03475; 1000 Genomes Project 30x 0.03482; gnomAD 0.03543 and 0.03566; ESP Exome Variant Server 0.03760.
gnomAD v4.1: 56,968 of 1,614,186 alleles (3.5%); highest among the groups gnomAD compares: South Asian, 4.9%; 1,169 homozygotes.

Submissions (3):

GeneDx
Classification: Benign. Last evaluated: 2021-05-05. Review status: criteria provided, single submitter. Criteria: GeneDx Variant Classification Process June 2021. Collection method: clinical testing. Allele origin: germline. Affected: yes.

Breakthrough Genomics
Classification: Benign. Review status: criteria provided, single submitter. Criteria: ACMG Guidelines, 2015. Collection method: not provided. Allele origin: germline. Inheritance: Autosomal dominant inheritance. Affected: yes.

PreventionGenetics, part of Exact Sciences
Classification: Benign for WDFY3-related condition. Last evaluated: 2019-05-09. Review status: no assertion criteria provided. Collection method: clinical testing. Allele origin: germline. Not counted in ClinVar's aggregate classification.
Comment: This variant is classified as benign based on ACMG/AMP sequence variant interpretation guidelines (Richards et al. 2015 PMID: 25741868, with internal and published modifications).